The following is an entry in ClinVar:

NM_024422.6(DSC2):c.1520+8C>G

Gene: DSC2 (desmocollin 2; minus strand). Cytogenetic location: 18q12.1.
Variant type: single nucleotide variant.
Coding change: c.1520+8C>G on transcript NM_024422.6 (MANE Select); 8 bases into the intron after coding-DNA position 1520, C replaced by G.
Molecular consequence: intron variant.
Genome position (GRCh38, 1-based): chr18:31,080,088, G>C on the plus strand (C>G on the coding strand, the complement: DSC2 is on the minus strand). VCF-style: chr18-31080088-G-C. GRCh37 (hg19) VCF-style: chr18-28660054-G-C.
Other names: c.1520+8C>G (NM_004949.5).
Identifiers: ClinVar variation 416269 (VCV000416269.18), dbSNP rs372979057, ClinGen allele CA031695.

ClinVar aggregate classification (germline): Likely benign. Review status: criteria provided, multiple submitters, no conflicts (2 of 4 stars). 7 submissions from 7 submitters: Likely benign (4). 3 of the submissions do not count toward it. Last evaluated 2026-02-01.

Conditions:
Cardiomyopathy (CMYO). Also called: Cardiomyopathies. Identifiers: Orphanet 167848, MedGen C0878544, MONDO:0004994, HP:0001638. Inheritance: Various modes of inheritance.
DSC2-related disorder. Also called: DSC2-related condition.
Arrhythmogenic right ventricular dysplasia 11. Also called: Arrhythmogenic Right Ventricular Dysplasia/Cardiomyopathy11; ARRHYTHMOGENIC RIGHT VENTRICULAR DYSPLASIA, FAMILIAL, 11; Arrhythmogenic right ventricular dysplasia 11 with mild palmoplantar keratoderma and woolly hair. Identifiers: MedGen C1864850, MONDO:0012506, OMIM 610476.

Allele frequency attached by ClinVar (database versions not stated): gnomAD 0.00024 and 0.00021; gnomAD exomes 0.00008; ExAC 0.00012; ESP Exome Variant Server 0.00031; TOPMed 0.00026.
gnomAD v4.1: 66 of 1,613,644 alleles (0.0041%); highest among the groups gnomAD compares: African/African-American, 0.084%; no homozygotes.

Submissions (7):

Labcorp Genetics (formerly Invitae), Labcorp
Classification: Likely benign for Arrhythmogenic right ventricular dysplasia 11. Last evaluated: 2026-02-01. Review status: criteria provided, single submitter. Criteria: Invitae Variant Classification Sherloc (09022015). Collection method: clinical testing. Allele origin: germline.

Women's Health and Genetics/Laboratory Corporation of America, LabCorp
Classification: Likely benign. Last evaluated: 2025-07-24. Review status: criteria provided, single submitter. Criteria: LabCorp Variant Classification Summary - May 2015. Collection method: clinical testing. Allele origin: germline.

CHEO Genetics Diagnostic Laboratory, Children's Hospital of Eastern Ontario
Classification: Likely benign for Cardiomyopathy. Last evaluated: 2017-10-24. Review status: criteria provided, single submitter. Criteria: ACMG Guidelines, 2015. Collection method: clinical testing. Allele origin: germline. Study: Canadian Open Genetics Repository.

GeneDx
Classification: Likely benign. Last evaluated: 2017-10-04. Review status: criteria provided, single submitter. Criteria: GeneDx Variant Classification (06012015). Collection method: clinical testing. Allele origin: germline. Affected: yes.
Comment: This variant is considered likely benign or benign based on one or more of the following criteria: it is a conservative change, it occurs at a poorly conserved position in the protein, it is predicted to be benign by multiple in silico algorithms, and/or has population frequency not consistent with disease.

PreventionGenetics, part of Exact Sciences
Classification: Likely benign for DSC2-related condition. Last evaluated: 2019-12-06. Review status: no assertion criteria provided. Collection method: clinical testing. Allele origin: germline. Not counted in ClinVar's aggregate classification.
Comment: This variant is classified as likely benign based on ACMG/AMP sequence variant interpretation guidelines (Richards et al. 2015 PMID: 25741868, with internal and published modifications).

Clinical Genetics, Academic Medical Center
Classification: Benign. Review status: no assertion criteria provided. Collection method: clinical testing. Allele origin: germline. Affected: yes. Study: VKGL Data-share Consensus. Not counted in ClinVar's aggregate classification.

Genome Diagnostics Laboratory, University Medical Center Utrecht
Classification: Likely benign. Review status: no assertion criteria provided. Collection method: clinical testing. Allele origin: germline. Affected: yes. Study: VKGL Data-share Consensus. Not counted in ClinVar's aggregate classification.